The following is an entry in ClinVar:

NM_007294.4(BRCA1):c.5153G>A (p.Trp1718Ter)

Gene: BRCA1 (BRCA1 DNA repair associated; minus strand). Cytogenetic location: 17q21.31.
Variant type: single nucleotide variant.
Coding change: c.5153G>A on transcript NM_007294.4 (MANE Select); coding-DNA position 5153, G replaced by A.
Protein change: p.Trp1718Ter; replaces tryptophan 1718 with a stop codon.
Molecular consequence: nonsense. On other transcripts: non-coding transcript variant (1), missense variant (2).
Genome position (GRCh38, 1-based): chr17:43,063,373, C>T on the plus strand (G>A on the coding strand, the complement: BRCA1 is on the minus strand). VCF-style: chr17-43063373-C-T. GRCh37 (hg19) VCF-style: chr17-41215390-C-T.
Other names: c.5012G>A, p.Trp1671Ter (NM_001407697.1, NM_001407698.1, NM_001407724.1 and 13 more transcripts); c.5006G>A, p.Trp1669Ter (NM_001407844.1, NM_001407845.1, NM_001407846.1 and 12 more transcripts); c.4943G>A, p.Trp1648Ter (NM_001407879.1, NM_001407881.1, NM_001407882.1 and 5 more transcripts); c.4940G>A, p.Trp1647Ter (NM_001407894.1, NM_001407895.1, NM_001407908.1 and 12 more transcripts); c.4937G>A, p.Trp1646Ter (NM_001407915.1, NM_001407916.1, NM_001407917.1 and 1 more transcripts); c.5030G>A, p.Trp1677Ter (NM_001407919.1, NM_001407937.1, NM_001407938.1 and 6 more transcripts); c.4889G>A, p.Trp1630Ter (NM_001407920.1, NM_001407921.1, NM_001407922.1 and 4 more transcripts); c.4886G>A, p.Trp1629Ter (NM_001407931.1, NM_001407932.1, NM_001407933.1 and 4 more transcripts); and 73 more; short protein forms W1718*, W1739*, W1671*, W614*, W1549*, W1590*, W1605*, W1647*.
Identifiers: ClinVar variation 55432 (VCV000055432.25), dbSNP rs41293461, ClinGen allele CA003304.

ClinVar aggregate classification (germline): Pathogenic. Review status: reviewed by expert panel (3 of 4 stars). 9 submissions from 9 submitters: Pathogenic (1). 8 of the submissions do not count toward it. Last evaluated 2016-09-08.

Conditions:
Malignant tumor of urinary bladder. Also called: Bladder cancer; Urinary bladder cancer; Urinary Bladder Neoplasms. Identifiers: MedGen C0005684, MONDO:0001187, OMIM 109800.
Hereditary cancer-predisposing syndrome. Also called: Hereditary Cancer Syndrome; Hereditary neoplastic syndrome; Neoplastic Syndromes, Hereditary; Tumor predisposition. Identifiers: Orphanet 140162, MedGen C0027672, MeSH D009386, MONDO:0015356.
Hereditary breast ovarian cancer syndrome. Also called: BRCA1- and BRCA2-Associated Hereditary Breast and Ovarian Cancer; Hereditary breast and ovarian cancer syndrome; Hereditary breast and ovarian cancer syndrome (HBOC); Breast and ovarian cancer; Hereditary breast and/or ovarian cancer syndrome; Hereditary breast and ovarian cancer. Identifiers: Orphanet 145, MedGen C0677776, MeSH D061325, MONDO:0003582. Disease mechanism: loss of function.
Breast-ovarian cancer, familial, susceptibility to, 1 (BROVCA1). Also called: BRCA1 Hereditary Breast and Ovarian Cancer; OVARIAN CANCER, SUSCEPTIBILITY TO. Identifiers: Orphanet 145, MedGen C2676676, MONDO:0011450, OMIM 604370. Disease mechanism: loss of function.

Allele frequency attached by ClinVar (database versions not stated): gnomAD exomes 0.00001.
gnomAD v4.1: 6 of 1,611,202 alleles (0.00037%); highest among the groups gnomAD compares: Non-Finnish European, 0.00051%; no homozygotes.

Submissions (10):

Evidence-based Network for the Interpretation of Germline Mutant Alleles (ENIGMA)
Classification: Pathogenic for Breast-ovarian cancer, familial, susceptibility to, 1. Last evaluated: 2016-09-08. Review status: reviewed by expert panel. Criteria: ENIGMA BRCA1/2 Classification Criteria (2015). Collection method: curation. Allele origin: germline.
Comment: Variant allele predicted to encode a truncated non-functional protein.

Molecular Pathology, Peter Maccallum Cancer Centre
Classification: Pathogenic for Breast-ovarian cancer, familial, susceptibility to, 1. Last evaluated: 2025-04-24. Review status: criteria provided, single submitter. Criteria: ACMG Guidelines, 2015. Collection method: clinical testing. Allele origin: germline. Inheritance: Autosomal dominant inheritance. Not counted in ClinVar's aggregate classification.

Labcorp Genetics (formerly Invitae), Labcorp
Classification: Pathogenic for Hereditary breast ovarian cancer syndrome. Last evaluated: 2024-01-18. Review status: criteria provided, single submitter. Criteria: Invitae Variant Classification Sherloc (09022015). Collection method: clinical testing. Allele origin: germline. Not counted in ClinVar's aggregate classification.
Comment: This sequence change creates a premature translational stop signal (p.Trp1718*) in the BRCA1 gene. It is expected to result in an absent or disrupted protein product. Loss-of-function variants in BRCA1 are known to be pathogenic (PMID: 20104584). This variant is not present in population databases (gnomAD no frequency). This premature translational stop signal has been observed in individual(s) with clinical features of BRCA1-related conditions (PMID: 9760198, 29446198, 29470806, 31825140). ClinVar contains an entry for this variant (Variation ID: 55432). For these reasons, this variant has been classified as Pathogenic.

Color Diagnostics, LLC DBA Color Health
Classification: Pathogenic for Hereditary cancer-predisposing syndrome. Last evaluated: 2023-02-28. Review status: criteria provided, single submitter. Criteria: ACMG Guidelines, 2015. Collection method: clinical testing. Allele origin: germline. Not counted in ClinVar's aggregate classification.
Comment: This variant changes 1 nucleotide in exon 18 of the BRCA1 gene, creating a premature translation stop signal. A functional study has reported that this variant impacted BRCA1 function in a haploid cell proliferation assay (PMID: 30209399). This variant has been reported in several individuals affected with breast or ovarian cancer (PMID: 9760198, 23175448, 24728189, 33471991; Leiden Open Variation Database DB-ID BRCA1_003321). This variant has not been identified in the general population by the Genome Aggregation Database (gnomAD). Loss of BRCA1 function is a known mechanism of disease. Based on the available evidence, this variant is classified as Pathogenic.

Revvity Omics, Revvity
Classification: Pathogenic. Last evaluated: 2022-05-31. Review status: criteria provided, single submitter. Criteria: ACMG Guidelines, 2015. Collection method: clinical testing. Allele origin: germline. Not counted in ClinVar's aggregate classification.

Ambry Genetics
Classification: Pathogenic for Hereditary cancer-predisposing syndrome. Last evaluated: 2017-06-29. Review status: criteria provided, single submitter. Criteria: Ambry Variant Classification Scheme 2023. Collection method: clinical testing. Allele origin: germline. Not counted in ClinVar's aggregate classification.
Comment: The p.W1718* pathogenic mutation (also known as c.5153G>A), located in coding exon 17 of the BRCA1 gene, results from a G to A substitution at nucleotide position 5153. This changes the amino acid from a tryptophan to a stop codon within coding exon 17. Of note, this alteration is also designated as 5272G>A in published literature. In addition to the clinical data presented in the literature, this alteration is expected to result in loss of function by premature protein truncation or nonsense-mediated mRNA decay. As such, this alteration is interpreted as a disease-causing mutation.

Consortium of Investigators of Modifiers of BRCA1/2 (CIMBA), c/o University of Cambridge
Classification: Pathogenic for Breast-ovarian cancer, familial, susceptibility to, 1. Last evaluated: 2015-10-02. Review status: criteria provided, single submitter. Criteria: CIMBA Mutation Classification guidelines May 2016. Collection method: clinical testing. Allele origin: germline. Not counted in ClinVar's aggregate classification.

Breast Cancer Information Core (BIC) (BRCA1)
Classification: Pathogenic for Breast-ovarian cancer, familial 1. Last evaluated: 2013-03-25. Review status: no assertion criteria provided. Collection method: clinical testing. Allele origin: germline. Affected: yes. Observed: 3 variant alleles. Not counted in ClinVar's aggregate classification.

Brotman Baty Institute, University of Washington
No classification provided (evidence only). Condition: Breast-ovarian cancer, familial 1. Review status: no classification provided. Collection method: in vitro. Allele origin: not applicable. Functional consequence: functionally_abnormal. Not counted in ClinVar's aggregate classification.
ClinVar note: "not provided" was previously submitted as the classification for the variant. However, the classification appeared to be based only on an observation of functional data so it was converted to no classification on 2025-07-30.

Laboratory of Urology, Hospital Clinic de Barcelona
Classification: Pathogenic for Malignant tumor of urinary bladder. Review status: no assertion criteria provided. Collection method: research. Allele origin: somatic. Affected: yes. Not counted in ClinVar's aggregate classification.

Literature cited by the submitters: PubMed 20104584 (cited by Labcorp Genetics (formerly Invitae), Labcorp); PubMed 9760198 (cited by Labcorp Genetics (formerly Invitae), Labcorp and Color Diagnostics, LLC DBA Color Health); PubMed 29446198 (cited by Labcorp Genetics (formerly Invitae), Labcorp); PubMed 29470806 (cited by Labcorp Genetics (formerly Invitae), Labcorp); PubMed 31825140 (cited by Labcorp Genetics (formerly Invitae), Labcorp); PubMed 23175448 (cited by Color Diagnostics, LLC DBA Color Health); PubMed 24728189 (cited by Color Diagnostics, LLC DBA Color Health and Ambry Genetics); PubMed 30209399 (cited by Color Diagnostics, LLC DBA Color Health); PubMed 33471991 (cited by Color Diagnostics, LLC DBA Color Health).